The following is an entry in ClinVar:

ClinVar aggregate classification (germline): Uncertain significance. Review status: criteria provided, multiple submitters, no conflicts (2 of 4 stars). 2 submissions from 2 submitters: Uncertain significance (2). Last evaluated 2025-06-12.

Conditions:
Inborn genetic diseases. Identifiers: MedGen C0950123, MeSH D030342.

Allele frequency attached by ClinVar (database versions not stated): gnomAD exomes 0.00001 and 0.00003; ExAC 0.00002; ESP Exome Variant Server 0.00008; gnomAD 0.00012 and 0.00014; TOPMed 0.00015; 1000 Genomes Project 30x 0.00016; 1000 Genomes Project 0.00020.
gnomAD v4.1: 40 of 1,614,150 alleles (0.0025%); highest among the groups gnomAD compares: African/African-American, 0.033%; no homozygotes.

Submissions (2):

Labcorp Genetics (formerly Invitae), Labcorp
Classification: Uncertain significance. Last evaluated: 2025-06-12. Review status: criteria provided, single submitter. Criteria: Invitae Variant Classification Sherloc (09022015). Collection method: clinical testing. Allele origin: germline.
Comment: This sequence change replaces threonine, which is neutral and polar, with methionine, which is neutral and non-polar, at codon 179 of the PODXL protein (p.Thr179Met). This variant is present in population databases (rs140017492, gnomAD 0.03%). This variant has not been reported in the literature in individuals affected with PODXL-related conditions. ClinVar contains an entry for this variant (Variation ID: 1378080). An algorithm developed to predict the effect of missense changes on protein structure and function outputs the following: PolyPhen-2: "Possibly Damaging". The methionine amino acid residue is found in multiple mammalian species, which suggests that this missense change does not adversely affect protein function. In summary, the available evidence is currently insufficient to determine the role of this variant in disease. Therefore, it has been classified as a Variant of Uncertain Significance.

Ambry Genetics
Classification: Uncertain significance for Inborn genetic diseases. Last evaluated: 2021-08-09. Review status: criteria provided, single submitter. Criteria: Ambry Variant Classification Scheme 2023. Collection method: clinical testing. Allele origin: germline.

NM_001018111.3(PODXL):c.536C>T (p.Thr179Met)

Gene: PODXL (podocalyxin like; minus strand). Cytogenetic location: 7q32.3.
Variant type: single nucleotide variant.
Coding change: c.536C>T on transcript NM_001018111.3 (MANE Select); coding-DNA position 536, C replaced by T.
Protein change: p.Thr179Met; replaces threonine 179 with methionine.
Molecular consequence: missense variant.
Genome position (GRCh38, 1-based): chr7:131,510,998, G>A on the plus strand (C>T on the coding strand, the complement: PODXL is on the minus strand). VCF-style: chr7-131510998-G-A. GRCh37 (hg19) VCF-style: chr7-131195757-G-A.
Other names: c.536C>T, p.Thr179Met (NM_005397.4); c.536C>T (NM_001018111.2); short protein forms T179M.
Identifiers: ClinVar variation 1378080 (VCV001378080.7), dbSNP rs140017492, ClinGen allele CA4488680.
Genomic context (GRCh38, chr7:131,510,998, plus strand): 5'-GCCACAGGATGCGTCGAAGTGGGTTGTCGGGGGCTAAGTGGACTTGTAGGGTGAGGGGTC[G>A]TCAGATGTTCTGCCTTAGTGGATGTGAGGTCTGTGGTCACACTGTGGCTGCTTTTCCCCC-3'
Protein context (NP_001018121.1, residues 169-189): DLTSTKAEHL[Thr179Met]TPHPTSPLSP